The following is an entry in ClinVar:

NM_000360.4(TH):c.90G>A (p.Met30Ile)

Gene: TH (tyrosine hydroxylase; minus strand). Cytogenetic location: 11p15.5.
Variant type: single nucleotide variant.
Coding change: c.90G>A on transcript NM_000360.4 (MANE Select); coding-DNA position 90, G replaced by A.
Protein change: p.Met30Ile; replaces methionine 30 with isoleucine.
Molecular consequence: missense variant.
Genome position (GRCh38, 1-based): chr11:2,171,697, C>T on the plus strand (G>A on the coding strand, the complement: TH is on the minus strand). VCF-style: chr11-2171697-C-T. GRCh37 (hg19) VCF-style: chr11-2192927-C-T.
Other names: c.90G>A, p.Met30Ile (NM_199292.3, NM_199293.3); short protein forms M30I.
Identifiers: ClinVar variation 1384057 (VCV001384057.3), dbSNP rs147416823, ClinGen allele CA5818867.

ClinVar aggregate classification (germline): Uncertain significance (1 of 4 stars; one submission).

Conditions:
TH-deficient dopa-responsive dystonia. Also called: Tyrosine Hydroxylase-Deficient Dopa-Responsive Dystonia; Segawa syndrome, autosomal recessive; DYT-TH. Identifiers: Orphanet 101150, MedGen C2673535, MONDO:0011551, OMIM 605407.

Allele frequency attached by ClinVar (database versions not stated): gnomAD 0.00009 and 0.00008; ESP Exome Variant Server 0.00023; gnomAD exomes 0.00001 and 0.00002; ExAC 0.00002; TOPMed 0.00005.
gnomAD v4.1: 19 of 1,611,866 alleles (0.0012%); highest among the groups gnomAD compares: African/African-American, 0.025%; no homozygotes.

Submission:

Labcorp Genetics (formerly Invitae), Labcorp
Classification: Uncertain significance for TH-deficient dopa-responsive dystonia. Last evaluated: 2022-07-12. Review status: criteria provided, single submitter. Criteria: Invitae Variant Classification Sherloc (09022015). Collection method: clinical testing. Allele origin: germline.
Comment: This sequence change replaces methionine, which is neutral and non-polar, with isoleucine, which is neutral and non-polar, at codon 30 of the TH protein (p.Met30Ile). This variant is present in population databases (rs147416823, gnomAD 0.03%). This variant has not been reported in the literature in individuals affected with TH-related conditions. ClinVar contains an entry for this variant (Variation ID: 1384057). Advanced modeling of protein sequence and biophysical properties (such as structural, functional, and spatial information, amino acid conservation, physicochemical variation, residue mobility, and thermodynamic stability) performed at Invitae indicates that this missense variant is not expected to disrupt TH protein function. Algorithms developed to predict the effect of sequence changes on RNA splicing suggest that this variant may disrupt the consensus splice site. In summary, the available evidence is currently insufficient to determine the role of this variant in disease. Therefore, it has been classified as a Variant of Uncertain Significance.